The following is an entry in ClinVar:

ClinVar aggregate classification (germline): Uncertain significance (1 of 4 stars; one submission).

Conditions:
Developmental and epileptic encephalopathy, 36 (DEE36). Also called: Epileptic encephalopathy, early infantile, 36; ALG13-CDG; Congenital disorder of glycosylation, type Is. Identifiers: Orphanet 324422, MedGen C4317295, MONDO:0010472, OMIM 300884.

Allele frequency attached by ClinVar (database versions not stated): gnomAD exomes below 0.00001; gnomAD 0.00001; TOPMed 0.00001.
gnomAD v4.1: 2 of 1,207,559 alleles (0.00017%); highest among the groups gnomAD compares: Admixed American, 0.0022%; no homozygotes.

Submission:

Labcorp Genetics (formerly Invitae), Labcorp
Classification: Uncertain significance for Developmental and epileptic encephalopathy, 36. Last evaluated: 2023-06-16. Review status: criteria provided, single submitter. Criteria: Invitae Variant Classification Sherloc (09022015). Collection method: clinical testing. Allele origin: germline.
Comment: ClinVar contains an entry for this variant (Variation ID: 1052019). In summary, the available evidence is currently insufficient to determine the role of this variant in disease. Therefore, it has been classified as a Variant of Uncertain Significance. Algorithms developed to predict the effect of missense changes on protein structure and function output the following: SIFT: "Not Available"; PolyPhen-2: "Probably Damaging"; Align-GVGD: "Not Available". The tyrosine amino acid residue is found in multiple mammalian species, which suggests that this missense change does not adversely affect protein function. This variant has not been reported in the literature in individuals affected with ALG13-related conditions. This variant is not present in population databases (gnomAD no frequency). This sequence change replaces histidine, which is basic and polar, with tyrosine, which is neutral and polar, at codon 535 of the ALG13 protein (p.His535Tyr).

NM_001099922.3(ALG13):c.1603C>T (p.His535Tyr)

Gene: ALG13 (ALG13 UDP-N-acetylglucosaminyltransferase subunit; plus strand). Cytogenetic location: Xq23.
Variant type: single nucleotide variant.
Coding change: c.1603C>T on transcript NM_001099922.3 (MANE Select); coding-DNA position 1603, C replaced by T.
Protein change: p.His535Tyr; replaces histidine 535 with tyrosine.
Molecular consequence: missense variant. On other transcripts: non-coding transcript variant (1).
Genome position (GRCh38, 1-based): chrX:111,724,935, C>T. VCF-style: chrX-111724935-C-T. GRCh37 (hg19) VCF-style: chrX-110968163-C-T.
Other names: c.1291C>T, p.His431Tyr (NM_001257230.2, NM_001257234.2, NM_001257237.2); c.1369C>T, p.His457Tyr (NM_001257231.2); c.1603C>T, p.His535Tyr (NM_001324292.2); c.1117C>T, p.His373Tyr (NM_001324293.1); short protein forms H373Y, H431Y, H457Y, H535Y.
Identifiers: ClinVar variation 1052019 (VCV001052019.9), dbSNP rs1941811361, ClinGen allele CA414252117.